The following is an entry in ClinVar:

NM_000388.4(CASR):c.372C>G (p.Asn124Lys)

Gene: CASR (calcium sensing receptor; plus strand). Cytogenetic location: 3q21.1.
Variant type: single nucleotide variant.
Coding change: c.372C>G on transcript NM_000388.4 (MANE Select); coding-DNA position 372, C replaced by G.
Protein change: p.Asn124Lys; replaces asparagine 124 with lysine.
Molecular consequence: missense variant.
Genome position (GRCh38, 1-based): chr3:122,257,267, C>G. VCF-style: chr3-122257267-C-G. GRCh37 (hg19) VCF-style: chr3-121976114-C-G.
Other names: c.372C>G, p.Asn124Lys (NM_001178065.2); short protein forms N124K.
Identifiers: ClinVar variation 2573018 (VCV002573018.4), dbSNP rs757571398, ClinGen allele CA354362759.

ClinVar aggregate classification (germline): Conflicting classifications of pathogenicity. Review status: criteria provided, conflicting classifications (1 of 4 stars). 2 submissions from 2 submitters: Likely pathogenic (1); Uncertain significance (1). Last evaluated 2023-02-17.

Conditions:
Familial hypocalciuric hypercalcemia (FHH). Also called: Familial benign hypercalcemia. Identifiers: Orphanet 405, MedGen C1809471, MONDO:0018458.
Autosomal dominant hypocalcemia 1 (HYPOC1). Also called: HYPOCALCEMIA, FAMILIAL. Identifiers: MedGen C3715128, MONDO:0011013, OMIM 601198.

Submissions (2):

Illumina Laboratory Services, Illumina
Classification: Likely pathogenic for Autosomal dominant hypocalcemia 1. Last evaluated: 2023-02-17. Review status: criteria provided, single submitter. Criteria: ICSLVariantClassificationCriteria RUGD 01 April 2020. Collection method: clinical testing. Allele origin: unknown.
Comment: The CASR c.372C>G (p.Asn124Lys) missense variant results in the substitution of asparagine at amino acid position 124 with lysine. A different nucleotide change resulting in the same amino acid change, c.372C>A (p.Asn124Lys), has been reported in three symptomatic individuals with autosomal dominant hypocalcemia from two unrelated families (PMID: 12162500; PMID: 21441391). This variant is not found in version 2.1.1 or version 3.1.2 of the Genome Aggregation Database. The p.Asn124Lys variant is located in loop 2 of the extracellular domain, which is involved in ligand binding, in close proximity to other reported disease-causing missense variants (PMID: 35818129). Functional studies performed in HEK-293 cells indicate that p.Asn124Lys confers an increased sensitivity to external calcium and increased retention of calcium in the endoplasmic reticulum when compared to wild-type (PMID: 12162500; PMID: 24244430). Based on the available evidence, the c.372C>G (p.Asn124Lys) variant is classified as a likely pathogenic for autosomal dominant hypocalcemia.

Labcorp Genetics (formerly Invitae), Labcorp
Classification: Uncertain significance for Familial hypocalciuric hypercalcemia; Autosomal dominant hypocalcemia 1. Last evaluated: 2023-01-16. Review status: criteria provided, single submitter. Criteria: Invitae Variant Classification Sherloc (09022015). Collection method: clinical testing. Allele origin: germline.
Comment: Algorithms developed to predict the effect of missense changes on protein structure and function (SIFT, PolyPhen-2, Align-GVGD) all suggest that this variant is likely to be disruptive. Experimental studies have shown that this missense change affects CASR function (PMID: 12162500, 24244430). In summary, the available evidence is currently insufficient to determine the role of this variant in disease. Therefore, it has been classified as a Variant of Uncertain Significance. This missense change has been observed in individual(s) with autosomal dominant hypocalcemia (PMID: 12162500, 21441391). This variant is not present in population databases (gnomAD no frequency). This sequence change replaces asparagine, which is neutral and polar, with lysine, which is basic and polar, at codon 124 of the CASR protein (p.Asn124Lys).

Literature cited by the submitters: PubMed 12162500 (cited by Illumina Laboratory Services, Illumina and Labcorp Genetics (formerly Invitae), Labcorp); PubMed 21441391 (cited by Illumina Laboratory Services, Illumina and Labcorp Genetics (formerly Invitae), Labcorp); PubMed 24244430 (cited by Illumina Laboratory Services, Illumina and Labcorp Genetics (formerly Invitae), Labcorp); PubMed 35818129 (cited by Illumina Laboratory Services, Illumina).